The following is an entry in ClinVar:

ClinVar aggregate classification (germline): Uncertain significance (1 of 4 stars; one submission).

Submission:

Labcorp Genetics (formerly Invitae), Labcorp
Classification: Uncertain significance. Last evaluated: 2025-10-21. Review status: criteria provided, single submitter. Criteria: Invitae Variant Classification Sherloc (09022015). Collection method: clinical testing. Allele origin: germline.
Comment: This sequence change replaces threonine, which is neutral and polar, with asparagine, which is neutral and polar, at codon 2211 of the PIEZO1 protein (p.Thr2211Asn). This variant is not present in population databases (gnomAD no frequency). This variant has not been reported in the literature in individuals affected with PIEZO1-related conditions. Invitae Evidence Modeling of protein sequence and biophysical properties (such as structural, functional, and spatial information, amino acid conservation, physicochemical variation, residue mobility, and thermodynamic stability) has been performed for this missense variant. However, the output from this modeling did not meet the statistical confidence thresholds required to predict the impact of this variant on PIEZO1 protein function. In summary, the available evidence is currently insufficient to determine the role of this variant in disease. Therefore, it has been classified as a Variant of Uncertain Significance.

NM_001142864.4(PIEZO1):c.6632C>A (p.Thr2211Asn)

Gene: PIEZO1 (piezo type mechanosensitive ion channel component 1 (Er blood group); minus strand). Cytogenetic location: 16q24.3.
Variant type: single nucleotide variant.
Coding change: c.6632C>A on transcript NM_001142864.4 (MANE Select); coding-DNA position 6632, C replaced by A.
Protein change: p.Thr2211Asn; replaces threonine 2211 with asparagine.
Molecular consequence: missense variant.
Genome position (GRCh38, 1-based): chr16:88,717,051, G>T on the plus strand (C>A on the coding strand, the complement: PIEZO1 is on the minus strand). VCF-style: chr16-88717051-G-T. GRCh37 (hg19) VCF-style: chr16-88783459-G-T.
Other names: short protein forms T2211N.
Identifiers: ClinVar variation 4744342 (VCV004744342.1).